The following is an entry in ClinVar:

NM_148960.3(CLDN19):c.427del (p.Leu143fs)

Gene: CLDN19 (claudin 19; minus strand). Cytogenetic location: 1p34.2.
Variant type: Deletion.
Coding change: c.427del on transcript NM_148960.3 (MANE Select); coding-DNA position 427, one base deleted (C; older notation c.427delC).
Protein change: p.Leu143fs; shifts the reading frame from leucine 143.
Molecular consequence: frameshift variant. On other transcripts: intron variant (1).
Genome position (GRCh38, 1-based): chr1:42,738,275, G deleted on the plus strand (C on the coding strand, the reverse complement: CLDN19 is on the minus strand); the first of 3 consecutive G bases (chr1:42,738,275-42,738,277); deleting any one gives the same sequence. VCF-style (leftmost placement, unchanged base first): chr1-42738274-AG-A. GRCh37 (hg19) VCF-style: chr1-43203945-AG-A.
Other names: c.427del, p.Leu143fs (NM_001123395.2); c.388+146del (NM_001185117.2); short protein forms L143fs.
Identifiers: ClinVar variation 1333609 (VCV001333609.6), dbSNP rs2124044159, ClinGen allele CA2573051566.

ClinVar aggregate classification (germline): Pathogenic. Review status: criteria provided, multiple submitters, no conflicts (2 of 4 stars). 2 submissions from 2 submitters: Pathogenic (2). Last evaluated 2022-08-22.

Conditions:
Renal hypomagnesemia 5 with ocular involvement. Also called: HYPOMAGNESEMIA 5, RENAL, WITH OR WITHOUT OCULAR INVOLVEMENT; FHHNC WITH SEVERE OCULAR INVOLVEMENT; HYPOMAGNESEMIA, FAMILIAL, WITH HYPERCALCIURIA, NEPHROCALCINOSIS, AND SEVERE OCULAR INVOLVEMENT; MACULAR COLOBOMA, BILATERAL, WITH HYPERCALCIURIA. Identifiers: Orphanet 2196, MedGen C4721891, MONDO:0009548, OMIM 248190.

Submissions (2):

Labcorp Genetics (formerly Invitae), Labcorp
Classification: Pathogenic. Last evaluated: 2022-08-22. Review status: criteria provided, single submitter. Criteria: Invitae Variant Classification Sherloc (09022015). Collection method: clinical testing. Allele origin: germline.
Comment: ClinVar contains an entry for this variant (Variation ID: 1333609). This variant has not been reported in the literature in individuals affected with CLDN19-related conditions. This variant is not present in population databases (gnomAD no frequency). This sequence change creates a premature translational stop signal (p.Leu143Trpfs*2) in the CLDN19 gene. It is expected to result in an absent or disrupted protein product. Loss-of-function variants in CLDN19 are known to be pathogenic (PMID: 22422540). For these reasons, this variant has been classified as Pathogenic.

3billion
Classification: Pathogenic for Renal hypomagnesemia 5 with ocular involvement. Last evaluated: 2022-01-03. Review status: criteria provided, single submitter. Criteria: ACMG Guidelines, 2015. Collection method: clinical testing. Allele origin: germline. Affected: yes. Observed: 1 homozygote.
Comment: Frameshift: predicted to result in a loss or disruption of normal protein function through nonsense-mediated decay (NMD) or protein truncation. Multiple pathogenic variants are reported downstream of the variant (PVS1_VS). The variant has been reported to be associated with CLDN19 related disorder (3billion dataset). It is not observed in the gnomAD v2.1.1 dataset (PM2_M). Therefore, this variant is classified as pathogenic according to the recommendation of ACMG/AMP guideline.

Literature cited by the submitters: PubMed 22422540 (cited by Labcorp Genetics (formerly Invitae), Labcorp).